The following is an entry in ClinVar:

ClinVar aggregate classification (germline): Uncertain significance (1 of 4 stars; one submission).

Conditions:
Gnathodiaphyseal dysplasia (GDD). Also called: GNATHODIAPHYSEAL SCLEROSIS; OSTEOGENESIS IMPERFECTA WITH UNUSUAL SKELETAL LESIONS. Identifiers: Orphanet 53697, MedGen C1833736, MONDO:0008151, OMIM 166260.
Autosomal recessive limb-girdle muscular dystrophy type 2L (LGMDR12). Also called: Limb-girdle muscular dystrophy, type 2L; MUSCULAR DYSTROPHY, LIMB-GIRDLE, AUTOSOMAL RECESSIVE 12; Limb-Girdle Muscular Dystrophy R12 Anoctamin-5-Related (LGMD-R12). Identifiers: Orphanet 206549, MedGen C1969785, MONDO:0012652, OMIM 611307.

gnomAD v4.1: 1 of 1,613,432 alleles (0.000062%); highest among the groups gnomAD compares: East Asian, 0.0022%; no homozygotes.

Submission:

Labcorp Genetics (formerly Invitae), Labcorp
Classification: Uncertain significance for Autosomal recessive limb-girdle muscular dystrophy type 2L; Gnathodiaphyseal dysplasia. Last evaluated: 2025-03-10. Review status: criteria provided, single submitter. Criteria: Invitae Variant Classification Sherloc (09022015). Collection method: clinical testing. Allele origin: germline.
Comment: This sequence change replaces glutamic acid, which is acidic and polar, with glutamine, which is neutral and polar, at codon 420 of the ANO5 protein (p.Glu420Gln). This variant is present in population databases (rs749430702, gnomAD 0.006%). This variant has not been reported in the literature in individuals affected with ANO5-related conditions. Invitae Evidence Modeling of protein sequence and biophysical properties (such as structural, functional, and spatial information, amino acid conservation, physicochemical variation, residue mobility, and thermodynamic stability) has been performed for this missense variant. However, the output from this modeling did not meet the statistical confidence thresholds required to predict the impact of this variant on ANO5 protein function. In summary, the available evidence is currently insufficient to determine the role of this variant in disease. Therefore, it has been classified as a Variant of Uncertain Significance.

NM_213599.3(ANO5):c.1258G>C (p.Glu420Gln)

Gene: ANO5 (anoctamin 5; plus strand). Cytogenetic location: 11p14.3.
Variant type: single nucleotide variant.
Coding change: c.1258G>C on transcript NM_213599.3 (MANE Select); coding-DNA position 1258, G replaced by C.
Protein change: p.Glu420Gln; replaces glutamic acid 420 with glutamine.
Molecular consequence: missense variant.
Genome position (GRCh38, 1-based): chr11:22,255,448, G>C. VCF-style: chr11-22255448-G-C. GRCh37 (hg19) VCF-style: chr11-22276994-G-C.
Other names: c.1255G>C, p.Glu419Gln (NM_001142649.2); c.1216G>C, p.Glu406Gln (NM_001410963.1, NM_001441300.1); c.1213G>C, p.Glu405Gln (NM_001410964.1, NM_001441301.1); c.1180G>C, p.Glu394Gln (NM_001441294.1); c.1177G>C, p.Glu393Gln (NM_001441295.1); c.1165G>C, p.Glu389Gln (NM_001441296.1, NM_001441302.1); c.1138G>C, p.Glu380Gln (NM_001441297.1); c.1102G>C, p.Glu368Gln (NM_001441298.1); and 1 more; short protein forms E368Q, E389Q, E406Q, E420Q, E394Q, E367Q, E405Q, E380Q.
Identifiers: ClinVar variation 4788166 (VCV004788166.1).
Genomic context (GRCh38, chr11:22,255,448, plus strand): 5'-TTTTGGAAACAACGACAAGCCAGACTGGAATATGAATGGGACCTGGTGGACTTTGAAGAG[G>C]AACAGCAGCAGCTTCAGCTGAGACCAGAATTTGAAGCTATGTGTAAACACAGGAAATTGA-3'
Protein context (NP_998764.1, residues 410-430): YEWDLVDFEE[Glu420Gln]QQQLQLRPEF